The following is an entry in ClinVar:

NM_006206.6(PDGFRA):c.1369A>G (p.Asn457Asp)

Gene: PDGFRA (platelet derived growth factor receptor alpha; plus strand). Cytogenetic location: 4q12.
Variant type: single nucleotide variant.
Coding change: c.1369A>G on transcript NM_006206.6 (MANE Select); coding-DNA position 1369, A replaced by G.
Protein change: p.Asn457Asp; replaces asparagine 457 with aspartic acid.
Molecular consequence: missense variant.
Genome position (GRCh38, 1-based): chr4:54,273,541, A>G. VCF-style: chr4-54273541-A-G. GRCh37 (hg19) VCF-style: chr4-55139708-A-G.
Other names: c.1369A>G, p.Asn457Asp (NM_001347827.2, NM_001347829.2); c.1444A>G, p.Asn482Asp (NM_001347828.2); c.1408A>G, p.Asn470Asp (NM_001347830.2); short protein forms N457D, N470D, N482D.
Identifiers: ClinVar variation 1000708 (VCV001000708.9), dbSNP rs1294435524, ClinGen allele CA356892423.
Genomic context (GRCh38, chr4:54,273,541, plus strand): 5'-CTCATTGCCATGACTCTCAGGAATTGGCCCTATACTTAGGCCCTTTTTCTCTCTAGATGT[A>G]ATAATGAAACTTCCTGGACTATTTTGGCCAACAATGTCTCAAACATCATCACGGAGATCC-3'
Protein context (NP_006197.1, residues 447-467): WMICKDIKKC[Asn457Asp]NETSWTILAN

ClinVar aggregate classification (germline): Uncertain significance (1 of 4 stars; one submission).

Conditions:
Gastrointestinal stromal tumor. Also called: Gastrointestinal stromal tumor, somatic; Gastrointestinal stroma tumor. Identifiers: Orphanet 44890, MedGen C0238198, MeSH D046152, MONDO:0011719, OMIM 606764, HP:0100723.

Submission:

Labcorp Genetics (formerly Invitae), Labcorp
Classification: Uncertain significance for Gastrointestinal stromal tumor. Last evaluated: 2025-11-26. Review status: criteria provided, single submitter. Criteria: Invitae Variant Classification Sherloc (09022015). Collection method: clinical testing. Allele origin: germline.
Comment: This sequence change replaces asparagine, which is neutral and polar, with aspartic acid, which is acidic and polar, at codon 457 of the PDGFRA protein (p.Asn457Asp). This variant is not present in population databases (gnomAD no frequency). This variant has not been reported in the literature in individuals affected with PDGFRA-related conditions. ClinVar contains an entry for this variant (Variation ID: 1000708). Invitae Evidence Modeling of protein sequence and biophysical properties (such as structural, functional, and spatial information, amino acid conservation, physicochemical variation, residue mobility, and thermodynamic stability) indicates that this missense variant is not expected to disrupt PDGFRA protein function with a negative predictive value of 80%. In summary, the available evidence is currently insufficient to determine the role of this variant in disease. Therefore, it has been classified as a Variant of Uncertain Significance.